The following is an entry in ClinVar:

NM_024675.4(PALB2):c.1479del (p.Thr494fs)

Gene: PALB2 (partner and localizer of BRCA2; minus strand). Cytogenetic location: 16p12.2.
Variant type: Deletion.
Coding change: c.1479del on transcript NM_024675.4 (MANE Select); coding-DNA position 1479, one base deleted (C; older notation c.1479delC).
Protein change: p.Thr494fs; shifts the reading frame from threonine 494.
Molecular consequence: frameshift variant.
Genome position (GRCh38, 1-based): chr16:23,635,067, G deleted on the plus strand (C on the coding strand, the reverse complement: PALB2 is on the minus strand); the first of 3 consecutive G bases (chr16:23,635,067-23,635,069); deleting any one gives the same sequence. VCF-style (leftmost placement, unchanged base first): chr16-23635066-TG-T. GRCh37 (hg19) VCF-style: chr16-23646387-TG-T.
Other names: c.1479delC (NM_024675.3); short protein forms T494fs.
Identifiers: ClinVar variation 126606 (VCV000126606.32), dbSNP rs515726071, ClinGen allele CA165295.
Genomic context (GRCh38, chr16:23,635,066, plus strand): 5'-CTGTGTATCTTCTACCAGGTGCTTGGGCAACTGCCTTCCTAGACAAGTCATTATCTTCAG[TG>T]GGCCCAGCGGGAGAGCTGACTTTAGTTAATGAGAGAAGTTTCTGAGAGGTTCTTGAACTT-3'

ClinVar aggregate classification (germline): Pathogenic. Review status: criteria provided, multiple submitters, no conflicts (2 of 4 stars). 11 submissions from 11 submitters: Pathogenic (9). 2 of the submissions do not count toward it. Last evaluated 2026-01-27.

Conditions:
Hereditary cancer-predisposing syndrome. Also called: Hereditary Cancer Syndrome; Hereditary neoplastic syndrome; Tumor predisposition; Neoplastic Syndromes, Hereditary. Identifiers: Orphanet 140162, MedGen C0027672, MeSH D009386, MONDO:0015356.
Hereditary breast ovarian cancer syndrome. Also called: BRCA1- and BRCA2-Associated Hereditary Breast and Ovarian Cancer; Hereditary breast and ovarian cancer; Hereditary breast and/or ovarian cancer syndrome; Hereditary breast and ovarian cancer syndrome; Hereditary breast and ovarian cancer syndrome (HBOC); Breast and ovarian cancer. Identifiers: Orphanet 145, MedGen C0677776, MeSH D061325, MONDO:0003582. Disease mechanism: loss of function.
Familial cancer of breast. Also called: BREAST CANCER, FAMILIAL; hereditary breast carcinoma; Hereditary breast cancer. Identifiers: Orphanet 227535, MedGen C0346153, MONDO:0016419, OMIM 114480. Disease mechanism: loss of function.

Submissions (11):

Labcorp Genetics (formerly Invitae), Labcorp
Classification: Pathogenic for Familial cancer of breast. Last evaluated: 2026-01-27. Review status: criteria provided, single submitter. Criteria: Invitae Variant Classification Sherloc (09022015). Collection method: clinical testing. Allele origin: germline.
Comment: This sequence change creates a premature translational stop signal (p.Thr494Leufs*67) in the PALB2 gene. It is expected to result in an absent or disrupted protein product. Loss-of-function variants in PALB2 are known to be pathogenic (PMID: 17200668, 17200671, 17200672, 24136930, 25099575). This variant is present in population databases (rs515726071, gnomAD 0.01%). This premature translational stop signal has been observed in individual(s) with breast cancer (PMID: 21932393, 26720728). ClinVar contains an entry for this variant (Variation ID: 126606). For these reasons, this variant has been classified as Pathogenic.

Ambry Genetics
Classification: Pathogenic for Hereditary cancer-predisposing syndrome. Last evaluated: 2025-02-18. Review status: criteria provided, single submitter. Criteria: Ambry Variant Classification Scheme 2023. Collection method: clinical testing. Allele origin: germline.
Comment: The c.1479delC pathogenic mutation, located in coding exon 4 of the PALB2 gene, results from a deletion of one nucleotide at nucleotide position 1479, causing a translational frameshift with a predicted alternate stop codon (p.T494Lfs*67). This mutation has been reported in multiple breast, ovarian, and/or pancreatic cancer patients (Zheng Y et al. Cancer. 2012 Mar 1;118(5):1362-70; Churpek JE et al. Breast Cancer Res. Treat., 2015 Jan;149:31-9; Norquist BM et al. JAMA Oncol 2016 Apr;2(4):482-90; Hu C et al. JAMA, 2018 06;319:2401-2409; Lu HM et al. JAMA Oncol, 2019 01;5:51-57; Huang KL et al. Cell, 2018 04;173:355-370.e14). In addition to the clinical data presented in the literature, this alteration is expected to result in loss of function by premature protein truncation or nonsense-mediated mRNA decay. As such, this alteration is interpreted as a disease-causing mutation.

Baylor Genetics
Classification: Pathogenic for Familial cancer of breast. Last evaluated: 2024-03-14. Review status: criteria provided, single submitter. Criteria: ACMG Guidelines, 2015. Collection method: clinical testing. Allele origin: unknown.

GeneDx
Classification: Pathogenic. Last evaluated: 2023-12-07. Review status: criteria provided, single submitter. Criteria: GeneDx Variant Classification Process June 2021. Collection method: clinical testing. Allele origin: germline. Affected: yes.
Comment: Frameshift variant predicted to result in protein truncation or nonsense mediated decay in a gene for which loss-of-function is a known mechanism of disease; Not observed at significant frequency in large population cohorts (gnomAD); Truncating variants in this gene are considered pathogenic by a well-established clinical consortium and/or database; Observed in individuals with breast and/or ovarian cancer (PMID: 36451132, 21932393, 26720728, 30128536); This variant is associated with the following publications: (PMID: 26689913, 29625052, 26720728, 24448499, 30128536, 25428789, 34906458, 36451132, 21932393, 29922827)

Myriad Genetics, Inc.
Classification: Pathogenic for Familial cancer of breast. Last evaluated: 2023-04-03. Review status: criteria provided, single submitter. Criteria: Myriad Autosomal Dominant, Autosomal Recessive and X-Linked Classification Criteria (2023). Collection method: clinical testing. Allele origin: unknown.
Comment: This variant is considered pathogenic. This variant creates a frameshift predicted to result in premature protein truncation.

Laboratory for Molecular Medicine, Mass General Brigham Personalized Medicine
Classification: Pathogenic for Familial cancer of breast. Last evaluated: 2022-06-01. Review status: criteria provided, single submitter. Criteria: ACMG Guidelines, 2015. Collection method: clinical testing. Allele origin: germline. Inheritance: Autosomal dominant inheritance.
Comment: The p.Thr494LeufsX67 variant in PALB2 has been reported in at least 6 individuals with PALB2-associated cancers, including at least 3 with breast cancer and at least 3 with ovarian cancer (selected references: Zheng 2012 PMID: 21932393, Kanchi 2014 PMID: 24448499, Lu 2015 PMID: 26689913, Churpek 2015 PMID: 25428789, Norquist 2016 PMID: 26720728, Lu 2019 PMID: 30128536). It has also been reported by other clinical laboratories in ClinVar (Variation ID 126606) and has been identified in 0.007% (3/41430) of African chromosomes by gnomAD (v.3.1.2). This variant is predicted to cause a frameshift, which alters the protein’s amino acid sequence beginning at position 494 and leads to a premature termination codon 67 amino acids downstream. This alteration is then predicted to lead to a truncated or absent protein. Heterozygous loss of function of the PALB2 gene is an established disease mechanism in PALB2-associated cancers, including autosomal dominant breast cancer. In summary, this variant meets criteria to be classified as pathogenic for autosomal dominant PALB2-associated cancers. ACMG/AMP Criteria applied: PM2_Supporting, PVS1, PS4_moderate.

Sema4
Classification: Pathogenic for Hereditary cancer-predisposing syndrome. Last evaluated: 2022-01-19. Review status: criteria provided, single submitter. Criteria: Sema4 Curation Guidelines. Collection method: curation. Allele origin: germline.
Comment: The PALB2 c.1479delC (p.T494LfsX67) variant has been reported in heterozygosity in individuals with breast cancer and ovarian cancer (PMID: 21932393, 30128536, 24448499, 26689913, 26720728). This variant causes a frameshift at amino acid 494 that results in premature termination 67 amino acids downstream. This alteration is expected to result in loss of function by premature protein truncation or nonsense-mediated mRNA decay. Loss of function variants in PALB2 are known to be pathogenic (PMID: 17200668). It was observed in 3/16256 chromosomes of the African/African American subpopulation in the large and broad cohorts of the Genome Aggregation Database (PMID: 32461654). The variant has been reported in ClinVar (Variation ID 126606). Based on the current evidence available, this variant is interpreted as pathogenic.

Color Diagnostics, LLC DBA Color Health
Classification: Pathogenic for Hereditary cancer-predisposing syndrome. Last evaluated: 2021-06-14. Review status: criteria provided, single submitter. Criteria: ACMG Guidelines, 2015. Collection method: clinical testing. Allele origin: germline.
Comment: This variant deletes 1 nucleotide in exon 4 of the PALB2 gene, creating a frameshift and premature translation stop signal. This variant is expected to result in an absent or non-functional protein product. To our knowledge, functional studies have not been reported for this variant. This variant has been reported in individuals affected with breast or ovarian cancer (PMID: 21932393, 24448499, 27153395, 26720728, 30128536). This variant has been identified in 3/251458 chromosomes in the general population by the Genome Aggregation Database (gnomAD). Loss of PALB2 function is a known mechanism of disease. Based on the available evidence, this variant is classified as Pathogenic.

Women's Health and Genetics/Laboratory Corporation of America, LabCorp
Classification: Pathogenic for Hereditary breast and ovarian cancer syndrome. Last evaluated: 2019-07-26. Review status: criteria provided, single submitter. Criteria: LabCorp Variant Classification Summary - May 2015. Collection method: clinical testing. Allele origin: germline.
Comment: Variant summary: PALB2 c.1479delC (p.Thr494LeufsX67) results in a premature termination codon, predicted to cause a truncation of the encoded protein or absence of the protein due to nonsense mediated decay, which are commonly known mechanisms for disease. Truncations downstream of this position have been classified as pathogenic by our laboratory (e.g. c.2167_2168delAT (p.Met723fsX21), c.2607delC (p.Val870X)). The variant allele was found at a frequency of 1.2e-05 in 251458 control chromosomes (gnomAD) and been reported in the literature in individuals affected with breast and ovarian cancer (Zheng_2012, Kanchi_2014, Norquist_2016, Lu_2018). These data indicate that the variant may be associated with disease. To our knowledge, no experimental evidence demonstrating an impact on protein function has been reported. Five submitters have provided clinical-significance assessments for this variant to ClinVar after 2014 without evidence for independent evaluation and classified the variant as pathogenic. Based on the evidence outlined above, the variant was classified as pathogenic.

Leiden Open Variation Database
Classification: Pathogenic for Familial cancer of breast. Last evaluated: 2019-05-13. Review status: no assertion criteria provided. Collection method: curation. Allele origin: germline. Affected: yes. Not counted in ClinVar's aggregate classification.
Comment: Curators: Marc Tischkowitz, Arleen D. Auerbach. Submitter to LOVD: Marc Tischkowitz.

Counsyl
Classification: Pathogenic for Familial cancer of breast. Last evaluated: 2016-06-01. Review status: no assertion criteria provided. Collection method: clinical testing. Allele origin: unknown. Not counted in ClinVar's aggregate classification.

Literature cited by the submitters: PubMed 17200668 (cited by Labcorp Genetics (formerly Invitae), Labcorp and Sema4); PubMed 17200671 (cited by Labcorp Genetics (formerly Invitae), Labcorp); PubMed 17200672 (cited by Labcorp Genetics (formerly Invitae), Labcorp); PubMed 24136930 (cited by Labcorp Genetics (formerly Invitae), Labcorp); PubMed 25099575 (cited by Labcorp Genetics (formerly Invitae), Labcorp); PubMed 21932393 (cited by 7 submitters); PubMed 26720728 (cited by 4 submitters); PubMed 25428789 (cited by 3 submitters); PubMed 29625052 (cited by Ambry Genetics); PubMed 29922827 (cited by Ambry Genetics); PubMed 30128536 (cited by 4 submitters); PubMed 24448499 (cited by 5 submitters); PubMed 26689913 (cited by Laboratory for Molecular Medicine, Mass General Brigham Personalized Medicine and Sema4).